The following is an entry in ClinVar:

ClinVar aggregate classification (germline): Uncertain significance (1 of 4 stars; one submission).

Allele frequency attached by ClinVar (database versions not stated): gnomAD exomes below 0.00001; TOPMed 0.00001.
gnomAD v4.1: 1 of 1,596,010 alleles (0.000063%); highest among the groups gnomAD compares: Non-Finnish European, 0.000085%; no homozygotes.

Submission:

Labcorp Genetics (formerly Invitae), Labcorp
Classification: Uncertain significance. Last evaluated: 2024-08-29. Review status: criteria provided, single submitter. Criteria: Invitae Variant Classification Sherloc (09022015). Collection method: clinical testing. Allele origin: germline.
Comment: This sequence change replaces threonine, which is neutral and polar, with isoleucine, which is neutral and non-polar, at codon 698 of the ITGAM protein (p.Thr698Ile). This variant is not present in population databases (gnomAD no frequency). This variant has not been reported in the literature in individuals affected with ITGAM-related conditions. ClinVar contains an entry for this variant (Variation ID: 1488807). An algorithm developed to predict the effect of missense changes on protein structure and function outputs the following: PolyPhen-2: "Benign". The isoleucine amino acid residue is found in multiple mammalian species, which suggests that this missense change does not adversely affect protein function. In summary, the available evidence is currently insufficient to determine the role of this variant in disease. Therefore, it has been classified as a Variant of Uncertain Significance.

NM_000632.4(ITGAM):c.2093C>T (p.Thr698Ile)

Gene: ITGAM (integrin subunit alpha M; plus strand). Cytogenetic location: 16p11.2.
Variant type: single nucleotide variant.
Coding change: c.2093C>T on transcript NM_000632.4 (MANE Select); coding-DNA position 2093, C replaced by T.
Protein change: p.Thr698Ile; replaces threonine 698 with isoleucine.
Molecular consequence: missense variant.
Genome position (GRCh38, 1-based): chr16:31,324,489, C>T. VCF-style: chr16-31324489-C-T. GRCh37 (hg19) VCF-style: chr16-31335810-C-T.
Other names: c.2096C>T, p.Thr699Ile (NM_001145808.2); short protein forms T698I, T699I.
Identifiers: ClinVar variation 1488807 (VCV001488807.6), dbSNP rs2080484424, ClinGen allele CA395687205.